The following is an entry in ClinVar:

NM_013352.4(DSE):c.480del (p.Ala161fs)

Gene: DSE (dermatan sulfate epimerase; plus strand). Cytogenetic location: 6q22.1.
Variant type: Deletion.
Coding change: c.480del on transcript NM_013352.4 (MANE Select); coding-DNA position 480, one base deleted (T; older notation c.480delT).
Protein change: p.Ala161fs; shifts the reading frame from alanine 161.
Molecular consequence: frameshift variant. On other transcripts: 5 prime UTR variant (4), non-coding transcript variant (1).
Genome position (GRCh38, 1-based): chr6:116,426,637, T deleted. VCF-style (leftmost placement, unchanged base first): chr6-116426636-CT-C. GRCh37 (hg19) VCF-style: chr6-116747799-CT-C.
Other names: c.480del, p.Ala161fs (NM_001080976.3, NM_001322937.2, NM_001322938.2 and 3 more transcripts); c.537del, p.Ala180fs (NM_001322939.2); c.-82del (NM_001322940.2, NM_001322941.2); c.-421del (NM_001374520.1); c.-108del (NM_001374521.1); short protein forms A180fs, A161fs.
Identifiers: ClinVar variation 2119102 (VCV002119102.4), dbSNP rs2482243158, ClinGen allele CA2580074801.

ClinVar aggregate classification (germline): Pathogenic (1 of 4 stars; one submission).

Conditions:
Ehlers-Danlos syndrome, musculocontractural type 2 (EDSMC2). Identifiers: Orphanet 2953, MedGen C3809845, MONDO:0014236, OMIM 615539.

Submission:

Labcorp Genetics (formerly Invitae), Labcorp
Classification: Pathogenic for Ehlers-Danlos syndrome, musculocontractural type 2. Last evaluated: 2025-09-04. Review status: criteria provided, single submitter. Criteria: Invitae Variant Classification Sherloc (09022015). Collection method: clinical testing. Allele origin: germline.
Comment: This sequence change creates a premature translational stop signal (p.Ala161Leufs*9) in the DSE gene. It is expected to result in an absent or disrupted protein product. Loss-of-function variants in DSE are known to be pathogenic (PMID: 28229453, 32130795). This variant is not present in population databases (gnomAD no frequency). This variant has not been reported in the literature in individuals affected with DSE-related conditions. ClinVar contains an entry for this variant (Variation ID: 2119102). For these reasons, this variant has been classified as Pathogenic.

Literature cited by the submitters: PubMed 28229453; PubMed 32130795.